The following is an entry in ClinVar:

ClinVar aggregate classification (germline): Uncertain significance (1 of 4 stars; one submission).

Allele frequency attached by ClinVar (database versions not stated): gnomAD exomes below 0.00001 and 0.00001; ExAC 0.00001; TOPMed 0.00001.
gnomAD v4.1: 5 of 1,614,216 alleles (0.00031%); highest among the groups gnomAD compares: Admixed American, 0.0067%; no homozygotes.

Submission:

Women's Health and Genetics/Laboratory Corporation of America, LabCorp
Classification: Uncertain significance. Last evaluated: 2022-06-06. Review status: criteria provided, single submitter. Criteria: LabCorp Variant Classification Summary - May 2015. Collection method: clinical testing. Allele origin: germline.
Comment: Variant summary: COX15 c.430T>C (p.Phe144Leu) results in a non-conservative amino acid change in the encoded protein sequence. Three of five in-silico tools predict a damaging effect of the variant on protein function. The variant allele was found at a frequency of 8e-06 in 251478 control chromosomes (gnomAD). The available data on variant occurrences in the general population are insufficient to allow any conclusion about variant significance. To our knowledge, no occurrence of c.430T>C in individuals affected with Leigh Syndrome and no experimental evidence demonstrating its impact on protein function have been reported. No clinical diagnostic laboratories have submitted clinical-significance assessments for this variant to ClinVar after 2014. Based on the evidence outlined above, the variant was classified as uncertain significance.

NM_078470.6(COX15):c.430T>C (p.Phe144Leu)

Gene: COX15 (cytochrome c oxidase assembly homolog COX15; minus strand). Cytogenetic location: 10q24.2.
Variant type: single nucleotide variant.
Coding change: c.430T>C on transcript NM_078470.6 (MANE Select); coding-DNA position 430, T replaced by C.
Protein change: p.Phe144Leu; replaces phenylalanine 144 with leucine.
Molecular consequence: missense variant. On other transcripts: intron variant (1).
Genome position (GRCh38, 1-based): chr10:99,727,120, A>G on the plus strand (T>C on the coding strand, the complement: COX15 is on the minus strand). VCF-style: chr10-99727120-A-G. GRCh37 (hg19) VCF-style: chr10-101486877-A-G.
Other names: c.430T>C, p.Phe144Leu (NM_001320974.2, NM_001320975.2, NM_001372024.1 and 5 more transcripts); c.-59-49T>C (NM_001320976.2); short protein forms F144L.
Identifiers: ClinVar variation 1698489 (VCV001698489.1), dbSNP rs767594997, ClinGen allele CA5642266.